The following is an entry in ClinVar:

NM_000455.5(STK11):c.896C>A (p.Ser299Tyr)

Gene: STK11 (serine/threonine kinase 11; plus strand). Cytogenetic location: 19p13.3.
Variant type: single nucleotide variant.
Coding change: c.896C>A on transcript NM_000455.5 (MANE Select); coding-DNA position 896, C replaced by A.
Protein change: p.Ser299Tyr; replaces serine 299 with tyrosine.
Molecular consequence: missense variant.
Genome position (GRCh38, 1-based): chr19:1,221,982, C>A. VCF-style: chr19-1221982-C-A. GRCh37 (hg19) VCF-style: chr19-1221981-C-A.
Other names: c.896C>A, p.Ser299Tyr (NM_001407255.1); short protein forms S299Y.
Identifiers: ClinVar variation 1765275 (VCV001765275.2), dbSNP rs2145428772, ClinGen allele CA402951262.

ClinVar aggregate classification (germline): Uncertain significance (1 of 4 stars; one submission).

Conditions:
Hereditary cancer-predisposing syndrome. Also called: Neoplastic Syndromes, Hereditary; Tumor predisposition; Hereditary Cancer Syndrome; Hereditary neoplastic syndrome. Identifiers: Orphanet 140162, MedGen C0027672, MeSH D009386, MONDO:0015356.

Submission:

Ambry Genetics
Classification: Uncertain significance for Hereditary cancer-predisposing syndrome. Last evaluated: 2021-05-27. Review status: criteria provided, single submitter. Criteria: Ambry Variant Classification Scheme 2023. Collection method: clinical testing. Allele origin: germline.
Comment: The p.S299Y variant (also known as c.896C>A), located in coding exon 7 of the STK11 gene, results from a C to A substitution at nucleotide position 896. The serine at codon 299 is replaced by tyrosine, an amino acid with dissimilar properties. This amino acid position is highly conserved in available vertebrate species. In addition, this alteration is predicted to be deleterious by in silico analysis. Since supporting evidence is limited at this time, the clinical significance of this alteration remains unclear.